The following is an entry in ClinVar:

ClinVar aggregate classification (germline): Uncertain significance. Review status: criteria provided, multiple submitters, no conflicts (2 of 4 stars). 2 submissions from 2 submitters: Uncertain significance (2). Last evaluated 2023-01-20.

Conditions:
Sulfite oxidase deficiency due to molybdenum cofactor deficiency type C. Also called: Molybdenum cofactor deficiency, complementation group C; Molybdenum cofactor deficiency C. Identifiers: Orphanet 308400, Orphanet 833, MedGen C1854990, MONDO:0014212, OMIM 615501.

Allele frequency attached by ClinVar (database versions not stated): gnomAD exomes below 0.00001.

Submissions (2):

GeneDx
Classification: Uncertain significance. Last evaluated: 2023-01-20. Review status: criteria provided, single submitter. Criteria: GeneDx Variant Classification Process June 2021. Collection method: clinical testing. Allele origin: germline. Affected: yes.
Comment: Not observed at significant frequency in large population cohorts (gnomAD); In silico analysis supports that this missense variant has a deleterious effect on protein structure/function; In silico analysis is inconclusive as to whether the variant alters gene splicing. In the absence of RNA/functional studies, the actual effect of this sequence change is unknown.; Has not been previously published as pathogenic or benign to our knowledge

Labcorp Genetics (formerly Invitae), Labcorp
Classification: Uncertain significance for Sulfite oxidase deficiency due to molybdenum cofactor deficiency type C. Last evaluated: 2022-10-10. Review status: criteria provided, single submitter. Criteria: Invitae Variant Classification Sherloc (09022015). Collection method: clinical testing. Allele origin: germline.
Comment: Advanced modeling of protein sequence and biophysical properties (such as structural, functional, and spatial information, amino acid conservation, physicochemical variation, residue mobility, and thermodynamic stability) performed at Invitae indicates that this missense variant is not expected to disrupt GPHN protein function. In summary, the available evidence is currently insufficient to determine the role of this variant in disease. Therefore, it has been classified as a Variant of Uncertain Significance. Algorithms developed to predict the effect of sequence changes on RNA splicing suggest that this variant may disrupt the consensus splice site. This variant has not been reported in the literature in individuals affected with GPHN-related conditions. This variant is not present in population databases (gnomAD no frequency). This sequence change replaces arginine, which is basic and polar, with tryptophan, which is neutral and slightly polar, at codon 686 of the GPHN protein (p.Arg686Trp).

NM_020806.5(GPHN):c.2056C>T (p.Arg686Trp)

Genes: GPHN (gephyrin; plus strand), LOC126861970 (MED14-independent group 3 enhancer GRCh37_chr14:67634697-67635896; plus strand). Cytogenetic location: 14q23.3.
Variant type: single nucleotide variant.
Coding change: c.2056C>T on transcript NM_020806.5 (MANE Select); coding-DNA position 2056, C replaced by T.
Protein change: p.Arg686Trp; replaces arginine 686 with tryptophan.
Molecular consequence: missense variant.
Genome position (GRCh38, 1-based): chr14:67,169,013, C>T. VCF-style: chr14-67169013-C-T. GRCh37 (hg19) VCF-style: chr14-67635730-C-T.
Other names: c.1957C>T, p.Arg653Trp (NM_001024218.2); c.2116C>T, p.Arg706Trp (NM_001377514.1); c.2086C>T, p.Arg696Trp (NM_001377515.1); c.2077C>T, p.Arg693Trp (NM_001377516.1); c.2029C>T, p.Arg677Trp (NM_001377517.1); c.2014C>T, p.Arg672Trp (NM_001377518.1); c.1996C>T, p.Arg666Trp (NM_001377519.1); short protein forms R706W, R653W, R693W, R666W, R672W, R677W, R686W, R696W.
Identifiers: ClinVar variation 2135635 (VCV002135635.4), dbSNP rs2544304967, ClinGen allele CA390122066.